The following is an entry in ClinVar:

ClinVar aggregate classification (germline): Uncertain significance (1 of 4 stars; one submission).

Submission:

GeneDx
Classification: Uncertain significance. Last evaluated: 2026-04-07. Review status: criteria provided, single submitter. Criteria: GeneDx Variant Classification Process June 2021. Collection method: clinical testing. Allele origin: germline.
Comment: Not observed at significant frequency in large population cohorts (gnomAD); In silico analysis supports that this missense variant has a deleterious effect on protein structure/function; Has not been previously published as pathogenic or benign to our knowledge

NM_006767.4(LZTR1):c.963G>T (p.Trp321Cys)

Gene: LZTR1 (leucine zipper like post translational regulator 1; plus strand). Cytogenetic location: 22q11.21.
Variant type: single nucleotide variant.
Coding change: c.963G>T on transcript NM_006767.4 (MANE Select); coding-DNA position 963, G replaced by T.
Protein change: p.Trp321Cys; replaces tryptophan 321 with cysteine.
Molecular consequence: missense variant.
Genome position (GRCh38, 1-based): chr22:20,991,799, G>T. VCF-style: chr22-20991799-G-T. GRCh37 (hg19) VCF-style: chr22-21346088-G-T.
Other names: short protein forms W321C.
Identifiers: ClinVar variation 3365144 (VCV003365144.2).
Genomic context (GRCh38, chr22:20,991,799, plus strand): 5'-TGCGGCCGACAACACGCTGCCCAACGAGCTGCACTGCTATGACGTGGACTTCCAGACCTG[G>T]GAGGTCGTCCAGCCCAGCTCCGACAGCGAGGTGAGGGTGCCCAGGGGTGTCCTGACCTGC-3'
Protein context (NP_006758.2, residues 311-331): LHCYDVDFQT[Trp321Cys]EVVQPSSDSE